The following is an entry in ClinVar:

ClinVar aggregate classification (germline): Pathogenic. Review status: criteria provided, multiple submitters, no conflicts (2 of 4 stars). 11 submissions from 11 submitters: Pathogenic (10). 1 of the submissions does not count toward it. Last evaluated 2025-09-03.

Conditions:
WAS-related disorder. Also called: WAS-Related Disorders; WAS-related condition. Identifiers: MedGen CN381538.
Wiskott-Aldrich syndrome (WAS). Also called: ALDRICH SYNDROME; IMMUNODEFICIENCY 2; Wiskott-aldrich syndrome, somatic; WISKOTT-ALDRICH SYNDROME 1. Identifiers: Orphanet 906, MedGen C0043194, MONDO:0010518, OMIM 301000.
X-linked severe congenital neutropenia (SCNX). Identifiers: Orphanet 86788, MedGen C1845987, MONDO:0010294, OMIM 300299.
Thrombocytopenia 1. Also called: THROMBOCYTOPENIA, X-LINKED, 1; X-linked thrombocytopenia with normal platelets; X-Linked Thrombocytopenia (XLT). Identifiers: Orphanet 268322, Orphanet 852, MedGen C1839163, MONDO:0010743, OMIM 313900.
Thrombocytopenia. Identifiers: MedGen C0040034, MeSH D013921, MONDO:0002049, HP:0001873.

Submissions (11):

Labcorp Genetics (formerly Invitae), Labcorp
Classification: Pathogenic for Wiskott-Aldrich syndrome; X-linked severe congenital neutropenia; Thrombocytopenia 1. Last evaluated: 2025-09-03. Review status: criteria provided, single submitter. Criteria: Invitae Variant Classification Sherloc (09022015). Collection method: clinical testing. Allele origin: germline.
Comment: This sequence change replaces threonine, which is neutral and polar, with methionine, which is neutral and non-polar, at codon 45 of the WAS protein (p.Thr45Met). This variant is not present in population databases (gnomAD no frequency). This missense change has been observed in individual(s) with Wiskott-Aldrich syndrome (PMID: 7753869, 8757563, 9326235, 11167787, 12969986, 15284122, 21185603, 28641574). In at least one individual the variant was observed to be de novo. It has also been observed to segregate with disease in related individuals. This variant is also known as 168C>T. ClinVar contains an entry for this variant (Variation ID: 11123). An algorithm developed to predict the effect of missense changes on protein structure and function (PolyPhen-2) suggests that this variant is likely to be disruptive. Experimental studies have shown that this missense change affects WAS function (PMID: 19817875, 23160469). For these reasons, this variant has been classified as Pathogenic.

PreventionGenetics, part of Exact Sciences
Classification: Pathogenic for WAS-related condition. Last evaluated: 2025-07-28. Review status: criteria provided, single submitter. Criteria: ACMG Guidelines, 2015. Collection method: clinical testing. Allele origin: germline.
Comment: The WAS c.134C>T variant is predicted to result in the amino acid substitution p.Thr45Met. This variant has been reported as causative for Wiskott-Aldrich syndrome (see for examples Kwan et al. 1995. PubMed ID: 7753869; Jin et al. 2004. PubMed ID: 15284122; Gulácsy et al. 2011. PubMed ID: 21185603). Functional studies indicate this variant decreases protein function (Worth et al. 2013. PubMed ID: 23160469). This variant has not been reported in a large population database, indicating this variant is rare. This variant has been classified as pathogenic by multiple independent submitters to the ClinVar database. Given the evidence, we interpret c.134C>T (p.Thr45Met) as pathogenic.

Blueprint Genetics
Classification: Pathogenic for WAS-related disorders. Last evaluated: 2024-06-17. Review status: criteria provided, single submitter. Criteria: ACMG Guidelines, 2015. Collection method: clinical testing. Allele origin: germline. Affected: yes. Observed: 4 variant alleles.

Fulgent Genetics
Classification: Pathogenic for X-linked severe congenital neutropenia; Wiskott-Aldrich syndrome; Thrombocytopenia 1. Last evaluated: 2024-02-06. Review status: criteria provided, single submitter. Criteria: ACMG Guidelines, 2015. Collection method: clinical testing. Allele origin: germline.

CeGaT Center for Human Genetics Tuebingen
Classification: Pathogenic. Last evaluated: 2023-09-01. Review status: criteria provided, single submitter. Criteria: CeGaT Center For Human Genetics Tuebingen Variant Classification Criteria Version 2. Collection method: clinical testing. Allele origin: germline. Affected: yes. Observed: 7 variant alleles.
Comment: WAS: PP1:Strong, PM2, PM5, PS4:Moderate, PS3:Supporting

GeneDx
Classification: Pathogenic. Last evaluated: 2023-08-29. Review status: criteria provided, single submitter. Criteria: GeneDx Variant Classification Process June 2021. Collection method: clinical testing. Allele origin: germline. Affected: yes.
Comment: Published functional studies demonstrate a damaging effect; reduces protein stability and ability to bind WIP (Worth et al., 2013); Not observed in large population cohorts (gnomAD); In silico analysis, which includes protein predictors and evolutionary conservation, supports a deleterious effect; This variant is associated with the following publications: (PMID: 8757563, 34705590, 31064749, 23160469, 11167787, 7753869, 28641574, 19817875, 31677488, 32814211, 35874699)

Neuberg Centre For Genomic Medicine, NCGM
Classification: Pathogenic for Wiskott-Aldrich syndrome. Last evaluated: 2023-05-20. Review status: criteria provided, single submitter. Criteria: ACMG Guidelines, 2015. Collection method: clinical testing. Allele origin: germline. Inheritance: X-linked recessive inheritance. Affected: yes.
Comment: The observed missense c.134C>T(p.Thr45Met) variant in WAS gene has been reported previously in X-linked state in individual(s) affected with Wiskott-Aldrich syndrome (Yue et al., 2022). This variant is absent in gnomAD Exomes. This variant has been reported to the ClinVar database as Pathogenic (multiple submitters). The amino acid Thr at position 45 is changed to a Met changing protein sequence and it might alter its composition and physico-chemical properties. The amino acid change p.Thr45Met in WAS is predicted as conserved by GERP++ and PhyloP across 100 vertebrates. Multiple lines of computational evidence (Polyphen - Damaging, SIFT - Damaging, and MutationTaster - Disease causing automatic) predict a damaging effect on protein structure and function for this variant. Experimental evidence indicated an impact on protein function and found that the variant partially impairs binding with WIP, an interaction proposed as causal to the disease (Rajmohan et al., 2009). For these reasons, this variant has been classified as Pathogenic.

Women's Health and Genetics/Laboratory Corporation of America, LabCorp
Classification: Pathogenic for Thrombocytopenia 1. Last evaluated: 2023-03-08. Review status: criteria provided, single submitter. Criteria: LabCorp Variant Classification Summary - May 2015. Collection method: clinical testing. Allele origin: germline.
Comment: Variant summary: WAS c.134C>T (p.Thr45Met) results in a non-conservative amino acid change in the encoded protein sequence. Five of five in-silico tools predict a damaging effect of the variant on protein function. The variant was absent in 182571 control chromosomes (gnomAD). c.134C>T has been reported in the literature in the hemizygous state in multiple male individuals affected with X-Linked Thrombocytopenia, including at least one family in which the variant segregated with the disease phenotype (e.g. Kwan_1995, de Saint Basile_1996, Ho_2001). These data indicate that the variant is very likely to be associated with disease. At least one publication reports experimental evidence evaluating an impact on protein function and found that the variant partially impairs binding with WIP, an interaction proposed as causal to the disease (e.g. Rajmohan_2009). Five submitters have provided clinical-significance assessments for this variant to ClinVar after 2014 and all classified the variant as pathogenic. Based on the evidence outlined above, the variant was classified as pathogenic.

3billion
Classification: Pathogenic for Thrombocytopenia 1. Last evaluated: 2022-05-22. Review status: criteria provided, single submitter. Criteria: ACMG Guidelines, 2015. Collection method: clinical testing. Allele origin: germline. Affected: yes. Observed: 1 hemizygote.
Comment: The variant is not observed in the gnomAD v2.1.1 dataset. Functional studies provide moderate evidence of the variant having a damaging effect on the gene or gene product (PMID: 19817875, 23160469). In silico tool predictions suggest damaging effect of the variant on gene or gene product (REVEL: 0.83; 3Cnet: 0.66). Same nucleotide change resulting in same amino acid change has been previously reported as pathogenic/likely pathogenic with strong evidence (ClinVar ID: VCV000011123). The variant has been observed in multiple (>3) similarly affected unrelated individuals (PMID: 11167787, 12969986, 15284122, 21185603, 28641574, 7753869, 8757563, 9326235). A different missense change at the same codon (p.Thr45Lys) has been reported to be associated with WAS related disorder (PMID: 20546529). Therefore, this variant is classified as pathogenic according to the recommendation of ACMG/AMP guideline.

NIHR Bioresource Rare Diseases, University of Cambridge
Classification: Pathogenic for Thrombocytopenia. Last evaluated: 2019-02-01. Review status: criteria provided, single submitter. Criteria: ACMG Guidelines, 2015. Collection method: research. Allele origin: unknown. Affected: yes. Observed: 1 hemizygote. Study: ThromboGenomics.

OMIM
Classification: Pathogenic for THROMBOCYTOPENIA, X-LINKED, 1. Last evaluated: 2001-01-01. Review status: no assertion criteria provided. Collection method: literature only. Allele origin: germline. Not counted in ClinVar's aggregate classification.

Literature cited by the submitters: PubMed 7753869 (cited by 3 submitters); PubMed 8757563 (cited by 3 submitters); PubMed 9326235 (cited by Labcorp Genetics (formerly Invitae), Labcorp and 3billion); PubMed 11167787 (cited by 4 submitters); PubMed 12969986 (cited by Labcorp Genetics (formerly Invitae), Labcorp and 3billion); PubMed 15284122 (cited by Labcorp Genetics (formerly Invitae), Labcorp and 3billion); PubMed 21185603 (cited by Labcorp Genetics (formerly Invitae), Labcorp and 3billion); PubMed 28641574 (cited by Labcorp Genetics (formerly Invitae), Labcorp and 3billion); PubMed 19817875 (cited by 3 submitters); PubMed 23160469 (cited by Labcorp Genetics (formerly Invitae), Labcorp and 3billion); PubMed 20546529 (cited by 3billion); PubMed 31064749 (cited by NIHR Bioresource Rare Diseases, University of Cambridge); PubMed 8666397 (cited by OMIM).

NM_000377.3(WAS):c.134C>T (p.Thr45Met)

Gene: WAS (WASP actin nucleation promoting factor; plus strand). Cytogenetic location: Xp11.23.
Variant type: single nucleotide variant.
Coding change: c.134C>T on transcript NM_000377.3 (MANE Select); coding-DNA position 134, C replaced by T.
Protein change: p.Thr45Met; replaces threonine 45 with methionine.
Molecular consequence: missense variant.
Genome position (GRCh38, 1-based): chrX:48,684,284, C>T. VCF-style: chrX-48684284-C-T. GRCh37 (hg19) VCF-style: chrX-48542673-C-T.
Other names: short protein forms T45M.
Identifiers: ClinVar variation 11123 (VCV000011123.60), dbSNP rs132630273, ClinGen allele CA255728.